The following is an entry in ClinVar:

NM_144666.3(DNHD1):c.5156C>T (p.Ala1719Val)

Gene: DNHD1 (dynein heavy chain domain 1; plus strand). Cytogenetic location: 11p15.4.
Variant type: single nucleotide variant.
Coding change: c.5156C>T on transcript NM_144666.3 (MANE Select); coding-DNA position 5156, C replaced by T.
Protein change: p.Ala1719Val; replaces alanine 1719 with valine.
Molecular consequence: missense variant.
Genome position (GRCh38, 1-based): chr11:6,546,095, C>T. VCF-style: chr11-6546095-C-T. GRCh37 (hg19) VCF-style: chr11-6567325-C-T.
Other names: short protein forms A1719V.
Identifiers: ClinVar variation 5040345 (VCV005040345.1).

ClinVar aggregate classification (germline): Uncertain significance (1 of 4 stars; one submission).

gnomAD v4.1: 7 of 1,551,460 alleles (0.00045%); highest among the groups gnomAD compares: Admixed American, 0.0059%; no homozygotes.

Submission:

CeGaT Center for Human Genetics Tuebingen
Classification: Uncertain significance. Last evaluated: 2026-07-01. Review status: criteria provided, single submitter. Criteria: CeGaT Center For Human Genetics Tuebingen Variant Classification Criteria Version 2. Collection method: clinical testing. Allele origin: germline. Affected: yes. Observed: 1 variant allele.
Comment: DNHD1: PM2, PP2, BP4